The following is an entry in ClinVar:

NM_000245.4(MET):c.1273C>A (p.Gln425Lys)

Gene: MET (MET proto-oncogene, receptor tyrosine kinase; plus strand). Cytogenetic location: 7q31.2.
Variant type: single nucleotide variant.
Coding change: c.1273C>A on transcript NM_000245.4 (MANE Select); coding-DNA position 1273, C replaced by A.
Protein change: p.Gln425Lys; replaces glutamine 425 with lysine.
Molecular consequence: missense variant. On other transcripts: 5 prime UTR variant (1).
Genome position (GRCh38, 1-based): chr7:116,731,740, C>A. VCF-style: chr7-116731740-C-A. GRCh37 (hg19) VCF-style: chr7-116371794-C-A.
Other names: c.1273C>A, p.Gln425Lys (NM_001127500.3, NM_001324401.3); c.-18C>A (NM_001324402.2); short protein forms Q425K.
Identifiers: ClinVar variation 4648136 (VCV004648136.1).

ClinVar aggregate classification (germline): Uncertain significance (1 of 4 stars; one submission).

Conditions:
Hereditary cancer-predisposing syndrome. Also called: Neoplastic Syndromes, Hereditary; Tumor predisposition; Hereditary Cancer Syndrome; Hereditary neoplastic syndrome. Identifiers: Orphanet 140162, MedGen C0027672, MeSH D009386, MONDO:0015356.

Submission:

Ambry Genetics
Classification: Uncertain significance for Hereditary cancer-predisposing syndrome. Last evaluated: 2025-12-03. Review status: criteria provided, single submitter. Criteria: Ambry Variant Classification Scheme 2023. Collection method: clinical testing. Allele origin: germline.
Comment: The p.Q425K variant (also known as c.1273C>A), located in coding exon 2 of the MET gene, results from a C to A substitution at nucleotide position 1273. The glutamine at codon 425 is replaced by lysine, an amino acid with similar properties. This amino acid position is well conserved in available vertebrate species. In addition, this alteration is predicted to be tolerated by in silico analysis. Based on the available evidence, the clinical significance of this variant remains unclear.